The following is an entry in ClinVar:

ClinVar aggregate classification (germline): Uncertain significance. Review status: criteria provided, multiple submitters, no conflicts (2 of 4 stars). 2 submissions from 2 submitters: Uncertain significance (2). Last evaluated 2023-03-31.

Conditions:
Capillary malformation-arteriovenous malformation syndrome. Also called: Capillary malformation-arteriovenous malformation. Identifiers: Orphanet 137667, MedGen C1842180, MONDO:0012016.

Submissions (2):

Labcorp Genetics (formerly Invitae), Labcorp
Classification: Uncertain significance for Capillary malformation-arteriovenous malformation syndrome. Last evaluated: 2023-03-31. Review status: criteria provided, single submitter. Criteria: Invitae Variant Classification Sherloc (09022015). Collection method: clinical testing. Allele origin: germline.
Comment: This sequence change replaces glutamic acid, which is acidic and polar, with aspartic acid, which is acidic and polar, at codon 551 of the RASA1 protein (p.Glu551Asp). This variant is not present in population databases (gnomAD no frequency). This variant has not been reported in the literature in individuals affected with RASA1-related conditions. An algorithm developed to predict the effect of missense changes on protein structure and function (PolyPhen-2) suggests that this variant is likely to be disruptive. In summary, the available evidence is currently insufficient to determine the role of this variant in disease. Therefore, it has been classified as a Variant of Uncertain Significance.

Blueprint Genetics
Classification: Uncertain significance. Last evaluated: 2022-01-26. Review status: criteria provided, single submitter. Criteria: ACMG Guidelines, 2015. Collection method: clinical testing. Allele origin: germline.

NM_002890.3(RASA1):c.1653A>C (p.Glu551Asp)

Genes: CCNH (cyclin H; minus strand), RASA1 (RAS p21 protein activator 1; plus strand). Cytogenetic location: 5q14.3.
Variant type: single nucleotide variant.
Coding change: c.1653A>C on transcript NM_002890.3 (MANE Select); coding-DNA position 1653, A replaced by C.
Protein change: p.Glu551Asp; replaces glutamic acid 551 with aspartic acid.
Molecular consequence: missense variant. On other transcripts: intron variant (1).
Genome position (GRCh38, 1-based): chr5:87,369,855, A>C. VCF-style: chr5-87369855-A-C. GRCh37 (hg19) VCF-style: chr5-86665672-A-C.
Other names: c.1122A>C, p.Glu374Asp (NM_022650.3); c.933+25189T>G (NM_001364075.2); short protein forms E374D, E551D.
Identifiers: ClinVar variation 2851166 (VCV002851166.4), dbSNP rs1362655473, ClinGen allele CA360371899.